The following is an entry in ClinVar:

ClinVar aggregate classification (germline): Pathogenic (1 of 4 stars; one submission).

Submission:

Labcorp Genetics (formerly Invitae), Labcorp
Classification: Pathogenic. Last evaluated: 2023-12-04. Review status: criteria provided, single submitter. Criteria: Invitae Variant Classification Sherloc (09022015). Collection method: clinical testing. Allele origin: germline.
Comment: This sequence change creates a premature translational stop signal (p.Glu822Argfs*7) in the LIFR gene. It is expected to result in an absent or disrupted protein product. Loss-of-function variants in LIFR are known to be pathogenic (PMID: 14740318). This variant is not present in population databases (gnomAD no frequency). This variant has not been reported in the literature in individuals affected with LIFR-related conditions. Algorithms developed to predict the effect of sequence changes on RNA splicing suggest that this variant may disrupt the consensus splice site. For these reasons, this variant has been classified as Pathogenic.

Literature cited by the submitters: PubMed 14740318.

NM_001127671.2(LIFR):c.2464del (p.Glu822fs)

Gene: LIFR (LIF receptor subunit alpha; minus strand). Cytogenetic location: 5p13.1.
Variant type: Deletion.
Coding change: c.2464del on transcript NM_001127671.2 (MANE Select); coding-DNA position 2464, one base deleted (G; older notation c.2464delG).
Protein change: p.Glu822fs; shifts the reading frame from glutamic acid 822.
Molecular consequence: frameshift variant.
Genome position (GRCh38, 1-based): chr5:38,485,852, C deleted on the plus strand (G on the coding strand, the reverse complement: LIFR is on the minus strand); the first of 2 consecutive C bases (chr5:38,485,852-38,485,853); deleting either gives the same sequence. VCF-style (leftmost placement, unchanged base first): chr5-38485851-TC-T. GRCh37 (hg19) VCF-style: chr5-38485953-TC-T.
Other names: c.2464del, p.Glu822fs (NM_001364297.2, NM_001364298.2, NM_002310.6); short protein forms E822fs.
Identifiers: ClinVar variation 2700874 (VCV002700874.3), dbSNP rs2530954352, ClinGen allele CA2697547145.